The following is an entry in ClinVar:

NM_001918.5(DBT):c.298G>T (p.Glu100Ter)

Gene: DBT (dihydrolipoamide branched chain transacylase E2; minus strand). Cytogenetic location: 1p21.2.
Variant type: single nucleotide variant.
Coding change: c.298G>T on transcript NM_001918.5 (MANE Select); coding-DNA position 298, G replaced by T.
Protein change: p.Glu100Ter; replaces glutamic acid 100 with a stop codon.
Molecular consequence: nonsense.
Genome position (GRCh38, 1-based): chr1:100,230,868, C>A on the plus strand (G>T on the coding strand, the complement: DBT is on the minus strand). VCF-style: chr1-100230868-C-A. GRCh37 (hg19) VCF-style: chr1-100696424-C-A.
Other names: short protein forms E100*.
Identifiers: ClinVar variation 983639 (VCV000983639.3), dbSNP rs1663520073, ClinGen allele CA341344377.

ClinVar aggregate classification (germline): Likely pathogenic (1 of 4 stars; one submission).

Conditions:
Maple syrup urine disease (MSUD). Identifiers: Orphanet 511, MedGen C0024776, MeSH D008375, MONDO:0009563. Disease mechanism: loss of function.

Submission:

Myriad Genetics, Inc.
Classification: Likely pathogenic for Maple syrup urine disease type 1A. Last evaluated: 2019-08-12. Review status: criteria provided, single submitter. Criteria: Myriad Women's Health Autosomal Recessive and X-Linked Classification Criteria (2019). Collection method: clinical testing. Allele origin: unknown.
Comment: NM_001918.3(DBT):c.298G>T(E100*) is expected to be pathogenic in the context of maple syrup urine disease type II. This variant is predicted to lead to an abnormal or absent protein product due to the creation of a premature termination codon in DBT, a gene where loss-of-function variants are known to be pathogenic. Please note: this variant was assessed in the context of healthy population screening.